The following is an entry in ClinVar:

NM_004859.4(CLTC):c.4928C>T (p.Ala1643Val)

Gene: CLTC (clathrin heavy chain; plus strand). Cytogenetic location: 17q23.1.
Variant type: single nucleotide variant.
Coding change: c.4928C>T on transcript NM_004859.4 (MANE Select); coding-DNA position 4928, C replaced by T.
Protein change: p.Ala1643Val; replaces alanine 1643 with valine.
Molecular consequence: missense variant.
Genome position (GRCh38, 1-based): chr17:59,693,752, C>T. VCF-style: chr17-59693752-C-T. GRCh37 (hg19) VCF-style: chr17-57771113-C-T.
Other names: c.4940C>T, p.Ala1647Val (NM_001288653.2); short protein forms A1643V, A1647V.
Identifiers: ClinVar variation 3365226 (VCV003365226.2).

ClinVar aggregate classification (germline): Uncertain significance. Review status: criteria provided, multiple submitters, no conflicts (2 of 4 stars). 2 submissions from 2 submitters: Uncertain significance (2). Last evaluated 2023-12-07.

Conditions:
Intellectual developmental disorder, autosomal dominant 56. Also called: MENTAL RETARDATION, AUTOSOMAL DOMINANT 56; Intellectual disability, autosomal dominant 56. Identifiers: MedGen C4693389, MONDO:0030922, OMIM 617854.

Submissions (2):

GeneDx
Classification: Uncertain significance. Last evaluated: 2023-12-07. Review status: criteria provided, single submitter. Criteria: GeneDx Variant Classification Process June 2021. Collection method: clinical testing. Allele origin: germline. Affected: yes.
Comment: Not observed at significant frequency in large population cohorts (gnomAD); In silico analysis supports that this missense variant does not alter protein structure/function; Has not been previously published as pathogenic or benign to our knowledge

Juno Genomics, Hangzhou Juno Genomics, Inc
Classification: Uncertain significance for Intellectual developmental disorder, autosomal dominant 56. Review status: criteria provided, single submitter. Criteria: ACMG Guidelines, 2015. Collection method: clinical testing. Allele origin: germline. Affected: yes.
Comment: Absent from controls (or at extremely low frequency if recessive) in Genome Aggregation Database.;Missense variant in a gene that has a low rate of benign missense variation.;Patient's phenotype or family history is highly specific for a disease with a single genetic etiology.